The following is an entry in ClinVar:

ClinVar aggregate classification (germline): Uncertain significance (1 of 4 stars; one submission).

Conditions:
Inborn genetic diseases. Identifiers: MedGen C0950123, MeSH D030342.

Submission:

Ambry Genetics
Classification: Uncertain significance for Inborn genetic diseases. Last evaluated: 2021-06-29. Review status: criteria provided, single submitter. Criteria: Ambry Variant Classification Scheme 2023. Collection method: clinical testing. Allele origin: germline.
Comment: The p.S2264L variant (also known as c.6791C>T), located in coding exon 40 of the ATR gene, results from a C to T substitution at nucleotide position 6791. The serine at codon 2264 is replaced by leucine, an amino acid with dissimilar properties. This amino acid position is conserved. In addition, the in silico prediction for this alteration is inconclusive. Since supporting evidence is limited at this time, the clinical significance of this alteration remains unclear.

NM_001184.4(ATR):c.6791C>T (p.Ser2264Leu)

Gene: ATR (ATR checkpoint kinase; minus strand). Cytogenetic location: 3q23.
Variant type: single nucleotide variant.
Coding change: c.6791C>T on transcript NM_001184.4 (MANE Select); coding-DNA position 6791, C replaced by T.
Protein change: p.Ser2264Leu; replaces serine 2264 with leucine.
Molecular consequence: missense variant.
Genome position (GRCh38, 1-based): chr3:142,466,430, G>A on the plus strand (C>T on the coding strand, the complement: ATR is on the minus strand). VCF-style: chr3-142466430-G-A. GRCh37 (hg19) VCF-style: chr3-142185272-G-A.
Other names: c.6599C>T, p.Ser2200Leu (NM_001354579.2); short protein forms S2264L, S2200L.
Identifiers: ClinVar variation 1755459 (VCV001755459.2), dbSNP rs2108273627, ClinGen allele CA354801727.